The following is an entry in ClinVar:

NM_001267550.2(TTN):c.76540del (p.Asp25513_Leu25514insTer)

Genes: TTN (titin; minus strand), TTN-AS1 (TTN antisense RNA 1; plus strand). Cytogenetic location: 2q31.2.
Variant type: Deletion.
Coding change: c.76540del on transcript NM_001267550.2 (MANE Select); coding-DNA position 76540, one base deleted (C; older notation c.76540delC).
Protein change: p.Asp25513_Leu25514insTer.
Molecular consequence: nonsense.
Genome position (GRCh38, 1-based): chr2:178,569,592, G deleted on the plus strand (C on the coding strand, the reverse complement: TTN is on the minus strand); the first of 2 consecutive G bases (chr2:178,569,592-178,569,593); deleting either gives the same sequence. VCF-style (leftmost placement, unchanged base first): chr2-178569591-AG-A. GRCh37 (hg19) VCF-style: chr2-179434318-AG-A.
Other names: c.71617del, p.Asp23872_Leu23873insTer (NM_001256850.1); c.49345del, p.Asp16448_Leu16449insTer (NM_003319.4); c.68836del, p.Asp22945_Leu22946insTer (NM_133378.4); c.49720del, p.Asp16573_Leu16574insTer (NM_133432.3); c.49921del, p.Asp16640_Leu16641insTer (NM_133437.4); c.76540delC (NM_001267550.2).
Identifiers: ClinVar variation 579037 (VCV000579037.9), dbSNP rs1559382080, ClinGen allele CA891842713.

ClinVar aggregate classification (germline): Likely pathogenic (1 of 4 stars; one submission).

Conditions:
Dilated cardiomyopathy 1G (CMD1G). Identifiers: Orphanet 154, MedGen C1858763, MONDO:0011400, OMIM 604145.
Autosomal recessive limb-girdle muscular dystrophy type 2J (LGMDR10). Also called: Limb-girdle muscular dystrophy, type 2J; MUSCULAR DYSTROPHY, LIMB-GIRDLE, AUTOSOMAL RECESSIVE 10. Identifiers: Orphanet 140922, MedGen C1837342, MONDO:0012127, OMIM 608807.

Submission:

Labcorp Genetics (formerly Invitae), Labcorp
Classification: Likely pathogenic for Dilated cardiomyopathy 1G; Autosomal recessive limb-girdle muscular dystrophy type 2J. Last evaluated: 2018-04-17. Review status: criteria provided, single submitter. Criteria: Invitae Variant Classification Sherloc (09022015). Collection method: clinical testing. Allele origin: germline.
Comment: This sequence change results in a premature translational stop signal in the TTN gene (p.Leu25514*). While this is not anticipated to result in nonsense mediated decay, it is expected to create a truncated TTN protein. This variant is not present in population databases (ExAC no frequency). This variant has not been reported in the literature in individuals with TTN-related disease. This variant is located in the A band of TTN (PMID: 25589632). Truncating variants in this region are significantly overrepresented in patients affected with dilated cardiomyopathy and are considered to be likely pathogenic for the disease (PMID: 25589632). Truncating variants in TTN have also been reported in individuals affected with autosomal recessive centronuclear myopathy (PMID: 23975875). In summary, the currently available evidence indicates that the variant is pathogenic, but additional data are needed to prove that conclusively. Therefore, this variant has been classified as Likely Pathogenic.

Literature cited by the submitters: PubMed 25589632; PubMed 23975875.